The following is an entry in ClinVar:

ClinVar aggregate classification (germline): Pathogenic (1 of 4 stars; one submission).

Submission:

Labcorp Genetics (formerly Invitae), Labcorp
Classification: Pathogenic. Last evaluated: 2023-02-22. Review status: criteria provided, single submitter. Criteria: Invitae Variant Classification Sherloc (09022015). Collection method: clinical testing. Allele origin: germline.
Comment: This sequence change creates a premature translational stop signal (p.Glu306Asnfs*13) in the IFT74 gene. It is expected to result in an absent or disrupted protein product. Loss-of-function variants in IFT74 are known to be pathogenic (PMID: 33531668). This variant has not been reported in the literature in individuals affected with IFT74-related conditions. For these reasons, this variant has been classified as Pathogenic. This variant is not present in population databases (gnomAD no frequency).

Literature cited by the submitters: PubMed 33531668.

NM_025103.4(IFT74):c.916_919del (p.Glu306fs)

Gene: IFT74 (intraflagellar transport 74; plus strand). Cytogenetic location: 9p21.2.
Variant type: Microsatellite.
Coding change: c.916_919del on transcript NM_025103.4 (MANE Select); coding-DNA positions 916 to 919, 4 bases deleted (GAGA; older notation c.916_919delGAGA).
Protein change: p.Glu306fs; shifts the reading frame from glutamic acid 306.
Molecular consequence: frameshift variant.
Genome position (GRCh38, 1-based): chr9:27,017,033-27,017,036, GAGA deleted; deleting any 4 consecutive bases within chr9:27,017,026-27,017,036 gives the same sequence; the c. name uses the placement nearest the transcript's 3' end. VCF-style (leftmost placement, unchanged base first): chr9-27017025-AAGAG-A. GRCh37 (hg19) VCF-style: chr9-27017023-AAGAG-A.
Other names: c.916_919del, p.Glu306fs (NM_001099222.3, NM_001099223.3, NM_001099224.3 and 1 more transcripts); short protein forms E306fs.
Identifiers: ClinVar variation 2840034 (VCV002840034.3), dbSNP rs890822485, ClinGen allele CA2739269171.